The following is an entry in ClinVar:

NM_004655.4(AXIN2):c.1908-4T>C

Gene: AXIN2 (axin 2; minus strand). Cytogenetic location: 17q24.1.
Variant type: single nucleotide variant.
Coding change: c.1908-4T>C on transcript NM_004655.4 (MANE Select); 4 bases into the intron before coding-DNA position 1908, T replaced by C.
Molecular consequence: intron variant.
Genome position (GRCh38, 1-based): chr17:65,536,557, A>G on the plus strand (T>C on the coding strand, the complement: AXIN2 is on the minus strand). VCF-style: chr17-65536557-A-G. GRCh37 (hg19) VCF-style: chr17-63532675-A-G.
Other names: c.1713-4T>C (NM_001363813.1).
Identifiers: ClinVar variation 3379029 (VCV003379029.1).

ClinVar aggregate classification (germline): Likely benign (1 of 4 stars; one submission).

Conditions:
Oligodontia-cancer predisposition syndrome. Also called: TOOTH AGENESIS-COLORECTAL CANCER SYNDROME. Identifiers: Orphanet 300576, MedGen C1837750, MONDO:0012075, OMIM 608615. Disease mechanism: loss of function.

Submission:

Myriad Genetics, Inc.
Classification: Likely benign for Oligodontia-cancer predisposition syndrome. Last evaluated: 2024-07-09. Review status: criteria provided, single submitter. Criteria: Myriad Autosomal Dominant, Autosomal Recessive and X-Linked Classification Criteria (2023). Collection method: clinical testing. Allele origin: unknown.
Comment: This variant is considered likely benign. This variant is intronic and is not expected to impact mRNA splicing.